The following is an entry in ClinVar:

ClinVar aggregate classification (germline): Conflicting classifications of pathogenicity. Review status: criteria provided, conflicting classifications (1 of 4 stars). 9 submissions from 9 submitters: Uncertain significance (6); Benign (1); Likely benign (2). Last evaluated 2026-01-18.

Conditions:
Autosomal dominant nonsyndromic hearing loss 65. Also called: Deafness, autosomal dominant 65; TBC1D24-Related Autosomal Dominant Nonsyndromic Hearing Loss (DFNA). Identifiers: Orphanet 90635, MedGen C3892048, MONDO:0014470, OMIM 616044.
Developmental and epileptic encephalopathy, 1 (DEE1). Also called: X-linked infantile spasms; West's syndrome; Tonic spasms with clustering, arrest of psychomotor development and hypsarrhythmia on EEG; X-Linked Infantile Spasm Syndrome; OHTAHARA SYNDROME, X-LINKED; Epileptic encephalopathy, early infantile, 1. Identifiers: MedGen C3463992, MONDO:0010632, OMIM 308350. Disease mechanism: loss of function.
Inborn genetic diseases. Identifiers: MedGen C0950123, MeSH D030342.
Familial infantile myoclonic epilepsy (FIME). Also called: Epilepsy, Myoclonic, Infantile; TBC1D24-Related Familial Infantile Myoclonic Epilepsy (FIME). Identifiers: Orphanet 352582, MedGen C0917800, MONDO:0011506, OMIM 605021.
Developmental and epileptic encephalopathy, 16 (DEE16). Also called: Early infantile epileptic encephalopathy 16; TBC1D24-Related Developmental and Epileptic Encephalopathy (DEE). Identifiers: Orphanet 293181, Orphanet 352596, MedGen C3809173, MONDO:0014133, OMIM 615338.
DOORS syndrome (DOORS). Also called: DOOR SYNDROME; DRC SYNDROME; BRACHYDACTYLY DUE TO ABSENCE OF DISTAL PHALANGES; ERONEN SYNDROME; Digitorenocerebral syndrome; DEAFNESS, ONYCHODYSTROPHY, OSTEODYSTROPHY, IMPAIRED INTELLECTUAL DEVELOPMENT, AND SEIZURES SYNDROME. Identifiers: Orphanet 3231, Orphanet 79500, MedGen C0795934, MONDO:0009079, OMIM 220500. Disease mechanism: loss of function.
Autosomal recessive nonsyndromic hearing loss 86 (DFNB86). Also called: Deafness , autosomal recessive 86; TBC1D24-Related Autosomal Recessive Nonsyndromic Hearing Loss (DFNB). Identifiers: Orphanet 90636, MedGen C2829265, MONDO:0013826, OMIM 614617.

Allele frequency attached by ClinVar (database versions not stated): gnomAD exomes 0.00036; ExAC 0.00056; 1000 Genomes Project 0.00140; gnomAD 0.00150 and 0.00163; 1000 Genomes Project 30x 0.00156; TOPMed 0.00159; ESP Exome Variant Server 0.00176.
gnomAD v4.1: 476 of 1,609,492 alleles (0.03%); highest among the groups gnomAD compares: African/African-American, 0.51%; no homozygotes.

Submissions (9):

Labcorp Genetics (formerly Invitae), Labcorp
Classification: Likely benign for Developmental and epileptic encephalopathy, 1; Autosomal dominant nonsyndromic hearing loss 65. Last evaluated: 2026-01-18. Review status: criteria provided, single submitter. Criteria: Invitae Variant Classification Sherloc (09022015). Collection method: clinical testing. Allele origin: germline.

Women's Health and Genetics/Laboratory Corporation of America, LabCorp
Classification: Likely benign. Last evaluated: 2024-12-09. Review status: criteria provided, single submitter. Criteria: LabCorp Variant Classification Summary - May 2015. Collection method: clinical testing. Allele origin: germline.
Comment: Variant summary: TBC1D24 c.1327G>A (p.Glu443Lys) results in a conservative amino acid change located in the TLDc domain (IPR006571) of the encoded protein sequence. Three of five in-silico tools predict a damaging effect of the variant on protein function. The variant allele was found at a frequency of 0.00036 in 233640 control chromosomes, predominantly at a frequency of 0.0045 within the African or African-American subpopulation in the gnomAD database. The observed variant frequency within African or African-American control individuals in the gnomAD database exceeds the estimated maximal expected allele frequency for a pathogenic variant in TBC1D24 causing TBC1D24-Related Disorders phenotype. To our knowledge, no occurrence of c.1327G>A in individuals affected with TBC1D24-Related Disorders and no experimental evidence demonstrating its impact on protein function have been reported. ClinVar contains an entry for this variant (Variation ID: 208413). Based on the evidence outlined above, the variant was classified as likely benign.

Blueprint Genetics
Classification: Uncertain significance. Last evaluated: 2024-09-06. Review status: criteria provided, single submitter. Criteria: ACMG Guidelines, 2015. Collection method: clinical testing. Allele origin: germline.

Ambry Genetics
Classification: Uncertain significance for Inborn genetic diseases. Last evaluated: 2018-12-18. Review status: criteria provided, single submitter. Criteria: Ambry Variant Classification Scheme 2023. Collection method: clinical testing. Allele origin: germline.
Comment: The p.E443K variant (also known as c.1327G>A), located in coding exon 6 of the TBC1D24 gene, results from a G to A substitution at nucleotide position 1327. The glutamic acid at codon 443 is replaced by lysine, an amino acid with similar properties. This amino acid position is highly conserved in available vertebrate species. In addition, the in silico prediction for this alteration is inconclusive. Since supporting evidence is limited at this time, the clinical significance of this variant remains unclear.

Eurofins Ntd Llc (ga)
Classification: Uncertain significance. Last evaluated: 2017-12-20. Review status: criteria provided, single submitter. Criteria: EGL Classification Definitions 2015. Collection method: clinical testing. Allele origin: germline. Observed: 2 variant alleles, 2 heterozygotes.

GeneDx
Classification: Uncertain significance. Last evaluated: 2017-09-22. Review status: criteria provided, single submitter. Criteria: GeneDx Variant Classification (06012015). Collection method: clinical testing. Allele origin: germline. Affected: yes.
Comment: A variant of uncertain significance has been identified in the TBC1D24 gene. The E443K variant has not been published as a pathogenic variant, nor has it been reported as a benign variant to our knowledge. The E443K variant is observed in 34/5,298 (0.6%) alleles from individuals of African background (Lek et al., 2016; 1000 Genomes Consortium et al., 2015; Exome Variant Server). The E443K variant is a non-conservative amino acid substitution, which is likely to impact secondary protein structure as these residues differ in polarity, charge size and/or other properties. This substitution occurs at a position that is conserved in mammals. In silico analysis is inconsistent in its predictions as to whether or not the variant is damaging to the protein structure/function. Based on the currently available information, it is unclear whether this variant is a pathogenic variant or a rare benign variant.

Genetic Services Laboratory, University of Chicago
Classification: Uncertain significance. Last evaluated: 2015-09-18. Review status: criteria provided, single submitter. Criteria: ACMG Guidelines, 2015. Collection method: clinical testing. Allele origin: germline. Affected: no.

Laboratory for Molecular Medicine, Mass General Brigham Personalized Medicine
Classification: Benign. Last evaluated: 2014-11-24. Review status: criteria provided, single submitter. Criteria: LMM Criteria. Collection method: clinical testing. Allele origin: germline. Observed: 1 variant allele.
Comment: Glu443Lys in exon 7 of TBC1D24: This variant is not expected to have clinical si gnificance because it has been identified in 0.5% (22/4106) of African American chromosomes from a broad population by the NHLBI Exome Sequencing Project (dbSNP rs141399869).

Center for Genomics, Ann and Robert H. Lurie Children's Hospital of Chicago
Classification: Uncertain significance for DOORS syndrome; Autosomal recessive nonsyndromic hearing loss 86; Autosomal dominant nonsyndromic hearing loss 65; Developmental and epileptic encephalopathy, 16; Familial infantile myoclonic epilepsy. Review status: criteria provided, single submitter. Criteria: ACMG Guidelines, 2015. Collection method: clinical testing. Allele origin: germline.
Comment: TBC1D24 NM_001199107.1 exon 7 p.Glu443Lys (c.1327G>A): This variant has not been reported in the literature but is present in 0.5% (215/41420) of African alleles in the Genome Aggregation Database. This variant is present in ClinVar (Variation ID:208413). Evolutionary conservation for this variant is limited or unavailable; computational predictive tools suggest that this variant may not impact the protein. In summary, data on this variant is insufficient for disease classification. Therefore, the clinical significance of this variant is uncertain.

NM_001199107.2(TBC1D24):c.1327G>A (p.Glu443Lys)

Gene: TBC1D24 (TBC1 domain family member 24; plus strand). Cytogenetic location: 16p13.3.
Variant type: single nucleotide variant.
Coding change: c.1327G>A on transcript NM_001199107.2 (MANE Select); coding-DNA position 1327, G replaced by A.
Protein change: p.Glu443Lys; replaces glutamic acid 443 with lysine.
Molecular consequence: missense variant.
Genome position (GRCh38, 1-based): chr16:2,500,292, G>A. VCF-style: chr16-2500292-G-A. GRCh37 (hg19) VCF-style: chr16-2550293-G-A.
Other names: p.E443K:GAG>AAG; c.1309G>A, p.Glu437Lys (NM_020705.3); short protein forms E443K, E437K.
Identifiers: ClinVar variation 208413 (VCV000208413.33), dbSNP rs141399869, ClinGen allele CA319677.
Genomic context (GRCh38, chr16:2,500,292, plus strand): 5'-CCCGCGCCAGCTCCTCACACTCCCCTTCCACCCCAGCTGCAGCCTGAGGTGCAGCGCTAC[G>A]AGTGGGTGGTGATCAAGCACCCCGAGCTGACCAAGCCCCCACCCTTGATGGCTGCCGAGC-3'
Protein context (NP_001186036.1, residues 433-453): FRLQPEVQRY[Glu443Lys]WVVIKHPELT